The following is an entry in ClinVar:

ClinVar aggregate classification (germline): Likely pathogenic. Review status: reviewed by expert panel (3 of 4 stars). 4 submissions from 4 submitters: Likely pathogenic (1). 3 of the submissions do not count toward it. Last evaluated 2025-12-19.

Conditions:
Immunodeficiency 14 (IMD14A). Also called: p110-DELTA-ACTIVATING MUTATION CAUSING SENESCENT T CELLS, LYMPHADENOPATHY, AND IMMUNODEFICIENCY; IMMUNODEFICIENCY 14A WITH LYMPHOPROLIFERATION, AUTOSOMAL DOMINANT; ACTIVATED PI3K-DELTA SYNDROME 1; Activated PI3K Delta Syndrome Type 1 (APDS1). Identifiers: Orphanet 397596, Orphanet 693661, MedGen C5907821, MONDO:0014222, OMIM 615513.
Abnormality of the immune system. Identifiers: MedGen C4021753, HP:0002715.

Submissions (4):

ClinGen Primary Immune Regulatory Disorders Variant Curation Expert Panel, ClinGen
Classification: Likely pathogenic for Immunodeficiency 14. Last evaluated: 2025-12-19. Review status: reviewed by expert panel. Criteria: ClinGen AbDef ACMG Specifications PIK3CD V1.0.0. Collection method: curation. Allele origin: germline. Inheritance: Autosomal dominant inheritance.
Comment: NM_005026.5(PIK3CD):c.1574A>G (p.Glu525Gly) is a missense variant causing substitution of glutamate with glycine at amino acid 525. Another missense variant at the same position, NM_005026.5(PIK3CD):c.1573G>A (p.Glu525Lys), has a Grantham’s Distance score (56) lower than the current variant of interest (98) and has been previously classified as pathogenic for immunodeficiency 14 by the ClinGen Antibody Deficiencies VCEP (PM5). This variant is absent from gnomAD v4.1.0 (PM2_Supporting). At least one patient with this variant exhibits features including pneumonia and bronchiectasis (4 pts), persistent microscopic hematuria, persistent Epstein-Barr virus and cytomegalovirus infection (3 pts), cytoplasmic antineutrophil antibody positivity, high IgG, high IgM (0.5 pts), and lymphadenopathy with multiple enlarged lymph nodes and hepatosplenomegaly (4 pts), with genotyping by whole exome sequencing identifying no alternative basis for disease in the PIK3R1 gene, which together are specific for immunodeficiency 14 (11.5 total pts, PMID: 34039074, PP4). A second apparently unrelated proband with this variant has phenotypes including isolated diffuse nodular lymphoid hyperplasia (from stomach to rectum, 4 pts), episodic bloody mucous diarrhea without evidence of intestinal infections (1 pt), substantial elevation of total IgG, elevated memory T cells, decreased central memory T cells, decreased memory B cells, increased transitional B cells, absence of respiratory symptoms but small nodules in lung parnechyma and mediastinal lymphadenopathies on chest CT scan (1 pt), and activated T cells harboring the variant exhibiting a 1.5X to 3X increase in phosphorylation of AKT at serine 473, with genotyping by whole exome sequencing (6 total pts, ClinVar: SCV001810147.1, PMID: 34692603, PS4_Supporting). Subsequent segregation analysis has indicated that the variant was present as a de novo occurrence with unconfirmed parental relationships (PS2_Supporting, SCV001810147.1, PMID: 34692603). The computational predictor REVEL gives a score of 0.396, which is below the ClinGen Antibody Deficiencies VCEP threshold of >0.644 and does not predict a damaging effect on PIK3CD function. The computational predictor CADD gives a PHRED score of 31.0, which is above the ClinGen Antibody Deficiencies VCEP threshold of >25.3 and predicts a deleterious effect on PIK3CD function. Because the two predictors do not agree on a damaging effect, the PP3 code is not met. In summary, this variant meets the criteria to be classified as likely pathogenic for immunodeficiency 14 based on the ACMG/AMP criteria applied, as specified by the ClinGen Antibody Deficiencies VCEP: PM2_Supporting, PM5, PP4, PS4_Supporting, and PS2_Supporting. (VCEP specifications version 1.0.0).

Labcorp Genetics (formerly Invitae), Labcorp
Classification: Pathogenic for Activated PI3K-delta syndrome. Last evaluated: 2025-08-08. Review status: criteria provided, single submitter. Criteria: Invitae Variant Classification Sherloc (09022015). Collection method: clinical testing. Allele origin: germline. Not counted in ClinVar's aggregate classification.
Comment: This sequence change replaces glutamic acid, which is acidic and polar, with glycine, which is neutral and non-polar, at codon 525 of the PIK3CD protein (p.Glu525Gly). This variant is not present in population databases (gnomAD no frequency). This missense change has been observed in individual(s) with clinical features of activated PI3K-delta syndrome (PMID: 34039074, 34692603). In at least one individual the variant was observed to be de novo. ClinVar contains an entry for this variant (Variation ID: 582515). Invitae Evidence Modeling of protein sequence and biophysical properties (such as structural, functional, and spatial information, amino acid conservation, physicochemical variation, residue mobility, and thermodynamic stability) indicates that this missense variant is expected to disrupt PIK3CD protein function with a positive predictive value of 80%. This variant disrupts the p.Glu525 amino acid residue in PIK3CD. Other variant(s) that disrupt this residue have been determined to be pathogenic (PMID: 24165795, 27555459, 27577878, 28104464, 28190860, 29330011). This suggests that this residue is clinically significant, and that variants that disrupt this residue are likely to be disease-causing. For these reasons, this variant has been classified as Pathogenic.

Blueprint Genetics
Classification: Uncertain significance. Last evaluated: 2018-06-08. Review status: criteria provided, single submitter. Criteria: ACMG Guidelines, 2015. Collection method: clinical testing. Allele origin: germline. Not counted in ClinVar's aggregate classification.

R&I Genetics srl
Classification: Likely pathogenic for Abnormality of the immune system. Last evaluated: 2021-08-30. Review status: no assertion criteria provided. Collection method: clinical testing. Allele origin: de novo. Inheritance: Autosomal dominant inheritance. Affected: yes. Observed: 1 heterozygote. Not counted in ClinVar's aggregate classification.
Comment: p.Glu525Gly (c.1574A>G) variation affects the same codon of two variants previously reported in association with PIK3CD-related immunodeficiency (p.Glu525Lys and p.Glu525Ala PMID: 24165795, 27426521). p.Glu525Gly mutation is absent from GnomAD and Polyphen2, SIFT, CADD-Phred and MutationTaster softwares indicate a possible deleterious effect on the resulting protein. Conservation tools, such as PhyloP, GERP and PhastCons, indicate that the DNA location is highly conserved.

Literature cited by the submitters: PubMed 34039074 (cited by Labcorp Genetics (formerly Invitae), Labcorp); PubMed 34692603 (cited by Labcorp Genetics (formerly Invitae), Labcorp); PubMed 24165795 (cited by Labcorp Genetics (formerly Invitae), Labcorp and R&I Genetics srl); PubMed 27555459 (cited by Labcorp Genetics (formerly Invitae), Labcorp); PubMed 27577878 (cited by Labcorp Genetics (formerly Invitae), Labcorp); PubMed 28104464 (cited by Labcorp Genetics (formerly Invitae), Labcorp); PubMed 28190860 (cited by Labcorp Genetics (formerly Invitae), Labcorp); PubMed 29330011 (cited by Labcorp Genetics (formerly Invitae), Labcorp); PubMed 27426521 (cited by R&I Genetics srl).

NM_005026.5(PIK3CD):c.1574A>G (p.Glu525Gly)

Gene: PIK3CD (phosphatidylinositol-4,5-bisphosphate 3-kinase catalytic subunit delta; plus strand). Cytogenetic location: 1p36.22.
Variant type: single nucleotide variant.
Coding change: c.1574A>G on transcript NM_005026.5 (MANE Select); coding-DNA position 1574, A replaced by G.
Protein change: p.Glu525Gly; replaces glutamic acid 525 with glycine.
Molecular consequence: missense variant.
Genome position (GRCh38, 1-based): chr1:9,720,794, A>G. VCF-style: chr1-9720794-A-G. GRCh37 (hg19) VCF-style: chr1-9780852-A-G.
Other names: NM_005026.5(PIK3CD):c.1574A>G; p.Glu525Gly; c.1574A>G (LRG_191t1); c.1571A>G, p.Glu524Gly (NM_001350234.2); c.1487A>G, p.Glu496Gly (NM_001350235.1); short protein forms E525G, E496G, E524G.
Identifiers: ClinVar variation 582515 (VCV000582515.15), dbSNP rs1557669079, ClinGen allele CA338303813.
Genomic context (GRCh38, chr1:9,720,794, plus strand): 5'-CCCCTCAGCAGCTGCAGCTGCGGGAAATCCTGGAGCGGCGGGGGTCTGGGGAGCTGTATG[A>G]GCACGAGAAGGACCTGGTGTGGAAGCTGCGGCATGAAGTCCAGGAGCACTTCCCGGAGGC-3'
Protein context (NP_005017.3, residues 515-535): LERRGSGELY[Glu525Gly]HEKDLVWKLR